The following is an entry in ClinVar:

ClinVar aggregate classification (germline): Likely benign (0 of 4 stars; one submission).

Conditions:
H4C3-related disorder. Also called: H4C3-related condition.

Allele frequency attached by ClinVar (database versions not stated): 1000 Genomes Project 30x 0.00031; 1000 Genomes Project 0.00040.

Submission:

PreventionGenetics, part of Exact Sciences
Classification: Likely benign for H4C3-related condition. Last evaluated: 2019-05-10. Review status: no assertion criteria provided. Collection method: clinical testing. Allele origin: germline.
Comment: This variant is classified as likely benign based on ACMG/AMP sequence variant interpretation guidelines (Richards et al. 2015 PMID: 25741868, with internal and published modifications).

NM_003542.4(H4C3):c.12C>T (p.Arg4=)

Gene: H4C3 (H4 clustered histone 3; plus strand). Cytogenetic location: 6p22.2.
Variant type: single nucleotide variant.
Coding change: c.12C>T on transcript NM_003542.4 (MANE Select); coding-DNA position 12, C replaced by T.
Protein change: p.Arg4=; no amino-acid change (arginine 4 retained).
Molecular consequence: synonymous variant.
Genome position (GRCh38, 1-based): chr6:26,103,959, C>T. VCF-style: chr6-26103959-C-T. GRCh37 (hg19) VCF-style: chr6-26104187-C-T.
Identifiers: ClinVar variation 3041804 (VCV003041804.2), dbSNP rs568125259, ClinGen allele CA3666896.